The following is an entry in ClinVar:

ClinVar aggregate classification (germline): Benign. Review status: criteria provided, multiple submitters, no conflicts (2 of 4 stars). 3 submissions from 3 submitters: Benign (3). Last evaluated 2026-02-02.

Conditions:
Hereditary spastic paraplegia 30. Identifiers: Orphanet 101010, MedGen C5235139, MONDO:0012476.
Intellectual disability, autosomal dominant 9 (NESCAVS). Also called: NESCAV SYNDROME; KIF1A-Related Neurodevelopmental Disorder. Identifiers: Orphanet 662367, MedGen C5393830, MONDO:0013656, OMIM 614255.
Neuropathy, hereditary sensory, type 2C. Also called: Hereditary sensory and autonomic neuropathy type IIC; KIF1A-Related HSAN2 (HSAN2C). Identifiers: Orphanet 970, MedGen C3280168, MONDO:0013634, OMIM 614213.

Submissions (3):

Labcorp Genetics (formerly Invitae), Labcorp
Classification: Benign for Hereditary spastic paraplegia 30; Neuropathy, hereditary sensory, type 2C; Intellectual disability, autosomal dominant 9. Last evaluated: 2026-02-02. Review status: criteria provided, single submitter. Criteria: Invitae Variant Classification Sherloc (09022015). Collection method: clinical testing. Allele origin: germline.

GeneDx
Classification: Benign. Last evaluated: 2018-06-14. Review status: criteria provided, single submitter. Criteria: GeneDx Variant Classification (06012015). Collection method: clinical testing. Allele origin: germline. Affected: yes.
Comment: This variant is considered likely benign or benign based on one or more of the following criteria: it is a conservative change, it occurs at a poorly conserved position in the protein, it is predicted to be benign by multiple in silico algorithms, and/or has population frequency not consistent with disease.

Breakthrough Genomics
Classification: Benign. Review status: criteria provided, single submitter. Criteria: ACMG Guidelines, 2015. Collection method: not provided. Allele origin: germline. Inheritance: Autosomal recessive inheritance. Affected: yes.

NM_001244008.2(KIF1A):c.363+20C>G

Gene: KIF1A (kinesin family member 1A; minus strand). Cytogenetic location: 2q37.3.
Variant type: single nucleotide variant.
Coding change: c.363+20C>G on transcript NM_001244008.2 (MANE Select); 20 bases into the intron after coding-DNA position 363, C replaced by G.
Molecular consequence: intron variant.
Genome position (GRCh38, 1-based): chr2:240,788,031, G>C on the plus strand (C>G on the coding strand, the complement: KIF1A is on the minus strand). VCF-style: chr2-240788031-G-C. GRCh37 (hg19) VCF-style: chr2-241727448-G-C.
Other names: c.363+20C>G (NM_001379653.1, NM_001379650.1, NM_001379645.1 and 20 more transcripts).
Identifiers: ClinVar variation 672466 (VCV000672466.10), dbSNP rs199804274, ClinGen allele CA2208824.